The following is an entry in ClinVar:

ClinVar aggregate classification (germline): Pathogenic. Review status: criteria provided, multiple submitters, no conflicts (2 of 4 stars). 2 submissions from 2 submitters: Pathogenic (2). Last evaluated 2021-09-15.

Submissions (2):

Institute of Medical Genetics and Applied Genomics, University Hospital Tübingen
Classification: Pathogenic. Last evaluated: 2021-09-15. Review status: criteria provided, single submitter. Criteria: ACMG Guidelines, 2015. Collection method: clinical testing. Allele origin: germline. Inheritance: Autosomal recessive inheritance. Affected: yes.

Labcorp Genetics (formerly Invitae), Labcorp
Classification: Pathogenic. Last evaluated: 2020-07-14. Review status: criteria provided, single submitter. Criteria: Invitae Variant Classification Sherloc (09022015). Collection method: clinical testing. Allele origin: germline.
Comment: This sequence change creates a premature translational stop signal (p.Leu1378Valfs*26) in the PCDH15 gene. It is expected to result in an absent or disrupted protein product. This variant is not present in population databases (ExAC no frequency). This variant has not been reported in the literature in individuals with PCDH15-related conditions. Loss-of-function variants in PCDH15 are known to be pathogenic (PMID: 11398101, 11487575, 14570705). For these reasons, this variant has been classified as Pathogenic.

Literature cited by the submitters: PubMed 11398101 (cited by Labcorp Genetics (formerly Invitae), Labcorp); PubMed 11487575 (cited by Labcorp Genetics (formerly Invitae), Labcorp); PubMed 14570705 (cited by Labcorp Genetics (formerly Invitae), Labcorp).

NM_001384140.1(PCDH15):c.4128dup (p.Leu1378fs)

Gene: PCDH15 (protocadherin related 15; minus strand). Cytogenetic location: 10q21.1.
Variant type: Duplication.
Coding change: c.4128dup on transcript NM_001384140.1 (MANE Select); coding-DNA position 4128, one base duplicated (C; older notation c.4128dupC).
Protein change: p.Leu1378fs; shifts the reading frame from leucine 1378.
Molecular consequence: frameshift variant.
Genome position (GRCh38, 1-based): chr10:53,831,389, G duplicated on the plus strand (C on the coding strand, the reverse complement: PCDH15 is on the minus strand); the first of 2 consecutive G bases (chr10:53,831,389-53,831,390); duplicating either gives the same sequence. VCF-style (leftmost placement, unchanged base first): chr10-53831388-A-AG. GRCh37 (hg19) VCF-style: chr10-55591148-A-AG.
Other names: c.4143dup, p.Leu1383fs (NM_001142763.2, NM_001142771.2); c.4128dup, p.Leu1378fs (NM_001142764.2, NM_001142766.2, NM_001142770.3 and 4 more transcripts); c.3915dup, p.Leu1307fs (NM_001142765.2); c.4017dup, p.Leu1341fs (NM_001142767.2); c.4062dup, p.Leu1356fs (NM_001142768.2, NM_001142773.2, NM_001354404.2); c.4163dup, p.Leu1390Valfs (NM_001142769.4); c.4149dup, p.Leu1385fs (NM_001354411.2); short protein forms L1307fs, L1341fs, L1356fs, L1378fs, L1383fs, L1385fs, L1390fs.
Identifiers: ClinVar variation 1073474 (VCV001073474.9), dbSNP rs2077005374, ClinGen allele CA1910756226.